The following is an entry in ClinVar:

NM_177438.3(DICER1):c.1468C>T (p.Arg490Cys)

Gene: DICER1 (dicer 1, ribonuclease III; minus strand). Cytogenetic location: 14q32.13.
Variant type: single nucleotide variant.
Coding change: c.1468C>T on transcript NM_177438.3 (MANE Select); coding-DNA position 1468, C replaced by T.
Protein change: p.Arg490Cys; replaces arginine 490 with cysteine.
Molecular consequence: missense variant.
Genome position (GRCh38, 1-based): chr14:95,117,663, G>A on the plus strand (C>T on the coding strand, the complement: DICER1 is on the minus strand). VCF-style: chr14-95117663-G-A. GRCh37 (hg19) VCF-style: chr14-95584000-G-A.
Other names: c.1468C>T, p.Arg490Cys (NM_001195573.1, NM_001271282.3, NM_001291628.2 and 1 more transcripts); short protein forms R490C.
Identifiers: ClinVar variation 242039 (VCV000242039.29), dbSNP rs777894117, ClinGen allele CA7331478.

ClinVar aggregate classification (germline): Conflicting classifications of pathogenicity. Review status: criteria provided, conflicting classifications (1 of 4 stars). 8 submissions from 8 submitters: Uncertain significance (7); Likely benign (1). Last evaluated 2026-04-30.

Conditions:
Global developmental delay - lung cysts - overgrowth - Wilms tumor syndrome. Also called: GLOW Syndrome; GLOBAL DEVELOPMENTAL DELAY, LUNG CYSTS, OVERGROWTH, AND WILMS TUMOR. Identifiers: Orphanet 404476, MedGen C4748924, MONDO:0018445, OMIM 618272.
DICER1-related disorder. Also called: DICER1-related condition.
DICER1-related tumor predisposition. Also called: DICER1 syndrome; DICER1-related pleuropulmonary blastoma cancer predisposition syndrome. Identifiers: Orphanet 284343, MedGen C3839822, MONDO:0100216.
Hereditary cancer-predisposing syndrome. Also called: Neoplastic Syndromes, Hereditary; Hereditary neoplastic syndrome; Hereditary Cancer Syndrome; Tumor predisposition. Identifiers: Orphanet 140162, MedGen C0027672, MeSH D009386, MONDO:0015356.

Allele frequency attached by ClinVar (database versions not stated): ExAC 0.00003; gnomAD exomes 0.00003; gnomAD 0.00004 and 0.00005; TOPMed 0.00004.
gnomAD v4.1: 44 of 1,613,964 alleles (0.0027%); highest among the groups gnomAD compares: South Asian, 0.011%; no homozygotes.

Submissions (8):

PreventionGenetics, part of Exact Sciences
Classification: Uncertain significance for DICER1-related condition. Last evaluated: 2026-04-30. Review status: criteria provided, single submitter. Criteria: ACMG Guidelines, 2015. Collection method: clinical testing. Allele origin: germline.
Comment: The DICER1 c.1468C>T variant is predicted to result in the amino acid substitution p.Arg490Cys. This variant has been reported in an individual with bladder cancer (Li et al. 2019. PubMed ID: 31820118). This variant is reported in 0.0098% of alleles in individuals of South Asian descent in gnomAD. This variant has conflicting interpretations in ClinVar ranging from likely benign to uncertain significance (Variation ID: 242039). At this time, the clinical significance of this variant is uncertain due to the absence of conclusive functional and genetic evidence.

Labcorp Genetics (formerly Invitae), Labcorp
Classification: Likely benign for DICER1-related tumor predisposition. Last evaluated: 2026-01-05. Review status: criteria provided, single submitter. Criteria: Invitae Variant Classification Sherloc (09022015). Collection method: clinical testing. Allele origin: germline.

Hereditary Cancer Group, L’Institut d'Investigació Biomèdica de Bellvitge
Classification: Uncertain significance for Hereditary cancer-predisposing syndrome. Last evaluated: 2024-12-19. Review status: criteria provided, single submitter. Criteria: Hatton et al. (Hum Mutat. 2023). Collection method: clinical testing. Allele origin: germline. Inheritance: Autosomal dominant inheritance. Affected: yes.
Comment: No classification codes are met.

Ambry Genetics
Classification: Uncertain significance for Hereditary cancer-predisposing syndrome. Last evaluated: 2024-09-22. Review status: criteria provided, single submitter. Criteria: Ambry Variant Classification Scheme 2023. Collection method: clinical testing. Allele origin: germline.
Comment: The p.R490C variant (also known as c.1468C>T), located in coding exon 8 of the DICER1 gene, results from a C to T substitution at nucleotide position 1468. The arginine at codon 490 is replaced by cysteine, an amino acid with highly dissimilar properties. This amino acid position is highly conserved in available vertebrate species. In addition, this alteration is predicted to be deleterious by in silico analysis. Since supporting evidence is limited at this time, the clinical significance of this alteration remains unclear.

Baylor Genetics
Classification: Uncertain significance for Global developmental delay - lung cysts - overgrowth - Wilms tumor syndrome. Last evaluated: 2024-02-26. Review status: criteria provided, single submitter. Criteria: ACMG Guidelines, 2015. Collection method: clinical testing. Allele origin: unknown.

ARUP Laboratories, Molecular Genetics and Genomics, ARUP Laboratories
Classification: Uncertain significance. Last evaluated: 2022-11-28. Review status: criteria provided, single submitter. Criteria: ARUP Molecular Germline Variant Investigation Process 2021. Collection method: clinical testing. Allele origin: germline.
Comment: The DICER1 c.1468C>T; p.Arg490Cys variant (rs777894117), to our knowledge, is not reported in the medical literature but is reported in ClinVar (Variation ID: 242039). This variant is found in the general population with an overall allele frequency of 0.0032% (9/282736 alleles) in the Genome Aggregation Database. The arginine at codon 490 is highly conserved, and computational analyses are uncertain whether this variant is neutral or deleterious (REVEL: 0.502). Due to limited information, the clinical significance of this variant is uncertain at this time.

Institute for Clinical Genetics, University Hospital TU Dresden, University Hospital TU Dresden
Classification: Uncertain significance. Last evaluated: 2021-11-03. Review status: criteria provided, single submitter. Criteria: ACMG Guidelines, 2015. Collection method: clinical testing. Allele origin: germline.

Sema4
Classification: Uncertain significance for Hereditary cancer-predisposing syndrome. Last evaluated: 2021-08-26. Review status: criteria provided, single submitter. Criteria: Sema4 Curation Guidelines. Collection method: curation. Allele origin: germline.
Comment: The DICER1 c.1468C>T (p.R490C) variant has been reported in a pineoblastoma tumor patient, however it is unknown if this is a germline or somatic alteration (PMID: 31820118). It was observed in 3/30612 chromosomes of the South Asian subpopulation, with no homozygotes, in the large and broad cohorts of the Genome Aggregation Database (PMID: 32461654). The variant has been reported in ClinVar (Variation ID 242039). Functional studies have not been performed and in silico predictions of the variant's effect on protein function are inconclusive. The evidence is insufficient to meet ACMG/AMP criteria for classifying the variant as benign or pathogenic. Thus, the clinical significance of this variant is currently uncertain.

Literature cited by the submitters: PubMed 31820118 (cited by Sema4).